The following is an entry in ClinVar:

NM_001114753.3(ENG):c.1852C>T (p.Arg618Cys)

Gene: ENG (endoglin; minus strand). Cytogenetic location: 9q34.11.
Variant type: single nucleotide variant.
Coding change: c.1852C>T on transcript NM_001114753.3 (MANE Select); coding-DNA position 1852, C replaced by T.
Protein change: p.Arg618Cys; replaces arginine 618 with cysteine.
Molecular consequence: missense variant.
Genome position (GRCh38, 1-based): chr9:127,815,943, G>A on the plus strand (C>T on the coding strand, the complement: ENG is on the minus strand). VCF-style: chr9-127815943-G-A. GRCh37 (hg19) VCF-style: chr9-130578222-G-A.
Other names: c.1852C>T, p.Arg618Cys (NM_000118.4); c.1306C>T, p.Arg436Cys (NM_001278138.2); short protein forms R618C, R436C.
Identifiers: ClinVar variation 1381531 (VCV001381531.7), dbSNP rs1346184000, ClinGen allele CA374971519.

ClinVar aggregate classification (germline): Uncertain significance (1 of 4 stars; one submission).

Conditions:
Hereditary hemorrhagic telangiectasia (HHT). Also called: ORW DISEASE; Osler Weber Rendu syndrome; OSLER-RENDU-WEBER DISEASE; Osler hemorrhagic telangiectasia syndrome. Identifiers: Orphanet 774, MedGen C0039445, MONDO:0019180. Disease mechanism: loss of function.

Allele frequency attached by ClinVar (database versions not stated): TOPMed below 0.00001; gnomAD 0.00001.
gnomAD v4.1: 3 of 1,595,074 alleles (0.00019%); highest among the groups gnomAD compares: South Asian, 0.0011%; no homozygotes.

Submission:

Labcorp Genetics (formerly Invitae), Labcorp
Classification: Uncertain significance for Hereditary hemorrhagic telangiectasia. Last evaluated: 2021-09-24. Review status: criteria provided, single submitter. Criteria: Invitae Variant Classification Sherloc (09022015). Collection method: clinical testing. Allele origin: germline.
Comment: This variant is not present in population databases (ExAC no frequency). This sequence change replaces arginine with cysteine at codon 618 of the ENG protein (p.Arg618Cys). The arginine residue is highly conserved and there is a large physicochemical difference between arginine and cysteine. This variant has not been reported in the literature in individuals affected with ENG-related conditions. Advanced modeling of protein sequence and biophysical properties (such as structural, functional, and spatial information, amino acid conservation, physicochemical variation, residue mobility, and thermodynamic stability) performed at Invitae indicates that this missense variant is expected to disrupt ENG protein function. In summary, the available evidence is currently insufficient to determine the role of this variant in disease. Therefore, it has been classified as a Variant of Uncertain Significance.